The following is an entry in ClinVar:

ClinVar aggregate classification (germline): Likely benign. Review status: criteria provided, single submitter (1 of 4 stars). 2 submissions from 2 submitters: Likely benign (1). 1 of the submissions does not count toward it. Last evaluated 2025-12-21.

Conditions:
RAI1-related disorder. Also called: RAI1-related condition.

Allele frequency attached by ClinVar (database versions not stated): ExAC 0.00001; gnomAD 0.00002; gnomAD exomes 0.00002.
gnomAD v4.1: 32 of 1,612,446 alleles (0.002%); highest among the groups gnomAD compares: Non-Finnish European, 0.0024%; no homozygotes.

Submissions (2):

Labcorp Genetics (formerly Invitae), Labcorp
Classification: Likely benign. Last evaluated: 2025-12-21. Review status: criteria provided, single submitter. Criteria: Invitae Variant Classification Sherloc (09022015). Collection method: clinical testing. Allele origin: germline.

PreventionGenetics, part of Exact Sciences
Classification: Uncertain significance for RAI1-related condition. Last evaluated: 2024-07-05. Review status: no assertion criteria provided. Collection method: clinical testing. Allele origin: germline. Not counted in ClinVar's aggregate classification.
Comment: The RAI1 c.3842C>G variant is predicted to result in the amino acid substitution p.Pro1281Arg. To our knowledge, this variant has not been reported in the literature. This variant is reported in 0.0033% of alleles in individuals of South Asian descent in gnomAD. At this time, the clinical significance of this variant is uncertain due to the absence of conclusive functional and genetic evidence.

NM_030665.4(RAI1):c.3842C>G (p.Pro1281Arg)

Gene: RAI1 (retinoic acid induced 1; plus strand). Cytogenetic location: 17p11.2.
Variant type: single nucleotide variant.
Coding change: c.3842C>G on transcript NM_030665.4 (MANE Select); coding-DNA position 3842, C replaced by G.
Protein change: p.Pro1281Arg; replaces proline 1281 with arginine.
Molecular consequence: missense variant.
Genome position (GRCh38, 1-based): chr17:17,796,790, C>G. VCF-style: chr17-17796790-C-G. GRCh37 (hg19) VCF-style: chr17-17700104-C-G.
Other names: c.3842C>G (NM_030665.3); short protein forms P1281R.
Identifiers: ClinVar variation 1562134 (VCV001562134.9), dbSNP rs766014989, ClinGen allele CA8418834.